The following is an entry in ClinVar:

NM_001256545.2(MEGF10):c.1136A>T (p.His379Leu)

Gene: MEGF10 (multiple EGF like domains 10; plus strand). Cytogenetic location: 5q23.2.
Variant type: single nucleotide variant.
Coding change: c.1136A>T on transcript NM_001256545.2 (MANE Select); coding-DNA position 1136, A replaced by T.
Protein change: p.His379Leu; replaces histidine 379 with leucine.
Molecular consequence: missense variant.
Genome position (GRCh38, 1-based): chr5:127,417,643, A>T. VCF-style: chr5-127417643-A-T. GRCh37 (hg19) VCF-style: chr5-126753335-A-T.
Other names: c.1136A>T, p.His379Leu (NM_001308119.2, NM_001308121.2, NM_032446.3); short protein forms H379L.
Identifiers: ClinVar variation 1027325 (VCV001027325.9), dbSNP rs1764826026, ClinGen allele CA360727589.

ClinVar aggregate classification (germline): Uncertain significance (1 of 4 stars; one submission).

Conditions:
MEGF10-related myopathy (CMYO10A). Also called: Congenital myopathy 10A, severe variant. Identifiers: Orphanet 439212, MedGen C3280679, MONDO:0013731, OMIM 614399.

Submission:

Labcorp Genetics (formerly Invitae), Labcorp
Classification: Uncertain significance for MEGF10-related myopathy. Last evaluated: 2022-06-20. Review status: criteria provided, single submitter. Criteria: Invitae Variant Classification Sherloc (09022015). Collection method: clinical testing. Allele origin: germline.
Comment: In summary, the available evidence is currently insufficient to determine the role of this variant in disease. Therefore, it has been classified as a Variant of Uncertain Significance. Algorithms developed to predict the effect of missense changes on protein structure and function (SIFT, PolyPhen-2, Align-GVGD) all suggest that this variant is likely to be disruptive. ClinVar contains an entry for this variant (Variation ID: 1027325). This variant has not been reported in the literature in individuals affected with MEGF10-related conditions. This variant is not present in population databases (gnomAD no frequency). This sequence change replaces histidine, which is basic and polar, with leucine, which is neutral and non-polar, at codon 379 of the MEGF10 protein (p.His379Leu).